The following is an entry in ClinVar:

NM_001386298.1(CIC):c.4335G>A (p.Ala1445=)

Gene: CIC (capicua transcriptional repressor; plus strand). Cytogenetic location: 19q13.2.
Variant type: single nucleotide variant.
Coding change: c.4335G>A on transcript NM_001386298.1 (MANE Select); coding-DNA position 4335, G replaced by A.
Protein change: p.Ala1445=; no amino-acid change (alanine 1445 retained).
Molecular consequence: synonymous variant.
Genome position (GRCh38, 1-based): chr19:42,290,376, G>A. VCF-style: chr19-42290376-G-A. GRCh37 (hg19) VCF-style: chr19-42794528-G-A.
Other names: c.4335G>A, p.Ala1445= (NM_001304815.2, NM_001379480.1, NM_001379482.1 and 1 more transcripts); c.1608G>A, p.Ala536= (NM_001379484.1, NM_001379485.1, NM_015125.5).
Identifiers: ClinVar variation 3036105 (VCV003036105.2), dbSNP rs753788840, ClinGen allele CA9472056.

ClinVar aggregate classification (germline): Likely benign (0 of 4 stars; one submission).

Conditions:
CIC-related disorder. Also called: CIC-related condition.

Allele frequency attached by ClinVar (database versions not stated): ExAC 0.00001; gnomAD exomes 0.00003.
gnomAD v4.1: 55 of 1,613,824 alleles (0.0034%); highest among the groups gnomAD compares: Non-Finnish European, 0.0045%; no homozygotes.

Submission:

PreventionGenetics, part of Exact Sciences
Classification: Likely benign for CIC-related condition. Last evaluated: 2023-01-25. Review status: no assertion criteria provided. Collection method: clinical testing. Allele origin: germline.
Comment: This variant is classified as likely benign based on ACMG/AMP sequence variant interpretation guidelines (Richards et al. 2015 PMID: 25741868, with internal and published modifications).